The following is an entry in ClinVar:

ClinVar aggregate classification (germline): Uncertain significance (1 of 4 stars; one submission).

Conditions:
Autosomal dominant hypocalcemia 1 (HYPOC1). Also called: HYPOCALCEMIA, FAMILIAL. Identifiers: MedGen C3715128, MONDO:0011013, OMIM 601198.
Familial hypocalciuric hypercalcemia (FHH). Also called: Familial benign hypercalcemia. Identifiers: Orphanet 405, MedGen C1809471, MONDO:0018458.

Allele frequency attached by ClinVar (database versions not stated): gnomAD exomes below 0.00001.
gnomAD v4.1: 2 of 1,614,176 alleles (0.00012%); highest among the groups gnomAD compares: South Asian, 0.0011%; no homozygotes.

Submission:

Labcorp Genetics (formerly Invitae), Labcorp
Classification: Uncertain significance for Familial hypocalciuric hypercalcemia; Autosomal dominant hypocalcemia 1. Last evaluated: 2021-03-23. Review status: criteria provided, single submitter. Criteria: Invitae Variant Classification Sherloc (09022015). Collection method: clinical testing. Allele origin: germline.
Comment: In summary, the available evidence is currently insufficient to determine the role of this variant in disease. Therefore, it has been classified as a Variant of Uncertain Significance. Algorithms developed to predict the effect of missense changes on protein structure and function are either unavailable or do not agree on the potential impact of this missense change (SIFT: "Deleterious"; PolyPhen-2: "Possibly Damaging"; Align-GVGD: "Class C0"). This variant has not been reported in the literature in individuals with CASR-related conditions. This variant is not present in population databases (ExAC no frequency). This sequence change replaces isoleucine with methionine at codon 97 of the CASR protein (p.Ile97Met). The isoleucine residue is highly conserved and there is a small physicochemical difference between isoleucine and methionine.

NM_000388.4(CASR):c.291A>G (p.Ile97Met)

Gene: CASR (calcium sensing receptor; plus strand). Cytogenetic location: 3q21.1.
Variant type: single nucleotide variant.
Coding change: c.291A>G on transcript NM_000388.4 (MANE Select); coding-DNA position 291, A replaced by G.
Protein change: p.Ile97Met; replaces isoleucine 97 with methionine.
Molecular consequence: missense variant.
Genome position (GRCh38, 1-based): chr3:122,257,186, A>G. VCF-style: chr3-122257186-A-G. GRCh37 (hg19) VCF-style: chr3-121976033-A-G.
Other names: c.291A>G, p.Ile97Met (NM_001178065.2); short protein forms I97M.
Identifiers: ClinVar variation 1412441 (VCV001412441.8), dbSNP rs1370844938, ClinGen allele CA354362575.